The following is an entry in ClinVar:

ClinVar aggregate classification (germline): Uncertain significance (1 of 4 stars; one submission).

Conditions:
Neurofibromatosis, type 1 (NF1). Also called: VON RECKLINGHAUSEN DISEASE; Peripheral type neurofibromatosis; NEUROFIBROMATOSIS, TYPE I, SOMATIC; Neurofibromatosis, type I. Identifiers: Orphanet 636, MedGen C0027831, MONDO:0018975, OMIM 162200. Disease mechanism: loss of function.

Submission:

Labcorp Genetics (formerly Invitae), Labcorp
Classification: Uncertain significance for Neurofibromatosis, type 1. Last evaluated: 2025-03-04. Review status: criteria provided, single submitter. Criteria: Invitae Variant Classification Sherloc (09022015). Collection method: clinical testing. Allele origin: germline.
Comment: This sequence change replaces leucine, which is neutral and non-polar, with phenylalanine, which is neutral and non-polar, at codon 755 of the NF1 protein (p.Leu755Phe). This variant is not present in population databases (gnomAD no frequency). This variant has not been reported in the literature in individuals affected with NF1-related conditions. Invitae Evidence Modeling of protein sequence and biophysical properties (such as structural, functional, and spatial information, amino acid conservation, physicochemical variation, residue mobility, and thermodynamic stability) indicates that this missense variant is not expected to disrupt NF1 protein function with a negative predictive value of 95%. In summary, the available evidence is currently insufficient to determine the role of this variant in disease. Therefore, it has been classified as a Variant of Uncertain Significance.

NM_001042492.3(NF1):c.2263C>T (p.Leu755Phe)

Gene: NF1 (neurofibromin 1; plus strand). Cytogenetic location: 17q11.2.
Variant type: single nucleotide variant.
Coding change: c.2263C>T on transcript NM_001042492.3 (MANE Select); coding-DNA position 2263, C replaced by T.
Protein change: p.Leu755Phe; replaces leucine 755 with phenylalanine.
Molecular consequence: missense variant.
Genome position (GRCh38, 1-based): chr17:31,227,229, C>T. VCF-style: chr17-31227229-C-T. GRCh37 (hg19) VCF-style: chr17-29554247-C-T.
Other names: c.2263C>T, p.Leu755Phe (NM_000267.4); short protein forms L755F.
Identifiers: ClinVar variation 4702329 (VCV004702329.1).
Genomic context (GRCh38, chr17:31,227,229, plus strand): 5'-AGGCAGGGCTCTAAGTGCAGTAACTTGATTTGCTGTTGTATTTGCTTAGGAAGAGCAGCA[C>T]TTCAGAAAAGAGTGATGGCACTGCTGAGGCGCATTGAGCATCCCACTGCAGGAAACACTG-3'
Protein context (NP_001035957.1, residues 745-765): SNMMSTGRAA[Leu755Phe]QKRVMALLRR